The following is an entry in ClinVar:

NM_017777.4(MKS1):c.811dup (p.His271fs)

Gene: MKS1 (MKS transition zone complex subunit 1; minus strand). Cytogenetic location: 17q22.
Variant type: Duplication.
Coding change: c.811dup on transcript NM_017777.4 (MANE Select); coding-DNA position 811, one base duplicated (C; older notation c.811dupC).
Protein change: p.His271fs; shifts the reading frame from histidine 271.
Molecular consequence: frameshift variant.
Genome position (GRCh38, 1-based): chr17:58,213,029, G duplicated on the plus strand (C on the coding strand, the reverse complement: MKS1 is on the minus strand); the first of 6 consecutive G bases (chr17:58,213,029-58,213,034); duplicating any one gives the same sequence. VCF-style (leftmost placement, unchanged base first): chr17-58213028-T-TG. GRCh37 (hg19) VCF-style: chr17-56290389-T-TG.
Other names: c.202dup, p.His68fs (NM_001321268.2); c.811dup, p.His271fs (NM_001321269.2, NM_001330397.2, NM_001411113.1); short protein forms H68fs, H271fs.
Identifiers: ClinVar variation 2933308 (VCV002933308.3), dbSNP rs1968969593, ClinGen allele CA2638965880.
Genomic context (GRCh38, chr17:58,213,028, plus strand): 5'-GAACTTGCGCTTACATCCTTGAACACTCGCCGTTCCCGCTCCTCCTCCTCCGGCTGTGCG[T>TG]GGGGGGAAACATTGTCGATCGTATATTTCCACAGCTCCTGCTTCTCCCCCTCCGTCTCAA-3'

ClinVar aggregate classification (germline): Pathogenic (1 of 4 stars; one submission).

Conditions:
Joubert syndrome. Also called: CEREBELLOPARENCHYMAL DISORDER IV; JOUBERT-BOLTSHAUSER SYNDROME; Familial aplasia of the vermis. Identifiers: Orphanet 475, MedGen C5979921, MONDO:0018772.
Meckel-Gruber syndrome. Also called: DYSENCEPHALIA SPLANCHNOCYSTICA; GRUBER SYNDROME; Dysencephalia splachnocystica. Identifiers: Orphanet 564, MedGen C0265215, MONDO:0018921.

Submission:

Labcorp Genetics (formerly Invitae), Labcorp
Classification: Pathogenic for Joubert syndrome; Meckel-Gruber syndrome. Last evaluated: 2023-06-20. Review status: criteria provided, single submitter. Criteria: Invitae Variant Classification Sherloc (09022015). Collection method: clinical testing. Allele origin: germline.
Comment: This sequence change creates a premature translational stop signal (p.His271Profs*34) in the MKS1 gene. It is expected to result in an absent or disrupted protein product. Loss-of-function variants in MKS1 are known to be pathogenic (PMID: 19466712, 24886560, 26490104). This variant is not present in population databases (gnomAD no frequency). This variant has not been reported in the literature in individuals affected with MKS1-related conditions. For these reasons, this variant has been classified as Pathogenic.

Literature cited by the submitters: PubMed 19466712; PubMed 24886560; PubMed 26490104.